The following is an entry in ClinVar:

NM_199420.4(POLQ):c.2921A>G (p.Gln974Arg)

Gene: POLQ (DNA polymerase theta; minus strand). Cytogenetic location: 3q13.33.
Variant type: single nucleotide variant.
Coding change: c.2921A>G on transcript NM_199420.4 (MANE Select); coding-DNA position 2921, A replaced by G.
Protein change: p.Gln974Arg; replaces glutamine 974 with arginine.
Molecular consequence: missense variant.
Genome position (GRCh38, 1-based): chr3:121,490,010, T>C on the plus strand (A>G on the coding strand, the complement: POLQ is on the minus strand). VCF-style: chr3-121490010-T-C. GRCh37 (hg19) VCF-style: chr3-121208857-T-C.
Other names: short protein forms Q974R.
Identifiers: ClinVar variation 1797716 (VCV001797716.3), dbSNP rs769987554, ClinGen allele CA2563158.

ClinVar aggregate classification (germline): Uncertain significance (1 of 4 stars; one submission).

Allele frequency attached by ClinVar (database versions not stated): TOPMed below 0.00001; ExAC 0.00001; gnomAD exomes 0.00002.
gnomAD v4.1: 24 of 1,579,252 alleles (0.0015%); highest among the groups gnomAD compares: Non-Finnish European, 0.0021%; no homozygotes.

Submission:

Ambry Genetics
Classification: Uncertain significance. Last evaluated: 2024-07-28. Review status: criteria provided, single submitter. Criteria: Ambry Variant Classification Scheme 2023. Collection method: clinical testing. Allele origin: germline.
Comment: The p.Q974R variant (also known as c.2921A>G), located in coding exon 16 of the POLQ gene, results from an A to G substitution at nucleotide position 2921. The glutamine at codon 974 is replaced by arginine, an amino acid with highly similar properties. This amino acid position is conserved. In addition, this alteration is predicted to be tolerated by in silico analysis. Since supporting evidence is limited at this time, the clinical significance of this alteration remains unclear.